The following is an entry in ClinVar:

NM_001283009.2(RTEL1):c.2992+6T>C

Genes: RTEL1 (regulator of telomere elongation helicase 1; plus strand), RTEL1-TNFRSF6B (RTEL1-TNFRSF6B readthrough (NMD candidate); plus strand). Cytogenetic location: 20q13.33.
Variant type: single nucleotide variant.
Coding change: c.2992+6T>C on transcript NM_001283009.2 (MANE Select); 6 bases into the intron after coding-DNA position 2992, T replaced by C.
Molecular consequence: intron variant.
Genome position (GRCh38, 1-based): chr20:63,693,289, T>C. VCF-style: chr20-63693289-T-C. GRCh37 (hg19) VCF-style: chr20-62324642-T-C.
Other names: c.2323+6T>C (NM_001283010.1); c.3064+6T>C (NM_032957.5); c.2992+6T>C (NM_016434.4).
Identifiers: ClinVar variation 2156148 (VCV002156148.3), dbSNP rs200941691, ClinGen allele CA9965698.

ClinVar aggregate classification (germline): Uncertain significance (1 of 4 stars; one submission).

Conditions:
Pulmonary fibrosis and/or bone marrow failure, Telomere-related, 3. Also called: PULMONARY FIBROSIS AND/OR BONE MARROW FAILURE SYNDROME, TELOMERE-RELATED, 3. Identifiers: Orphanet 2032, MedGen C4225346, MONDO:0014613, OMIM 616373.
Dyskeratosis congenita, autosomal recessive 5 (DKCB5). Identifiers: MedGen C3554656, MONDO:0014076, OMIM 615190.

gnomAD v4.1: 7 of 1,611,282 alleles (0.00043%); highest among the groups gnomAD compares: Admixed American, 0.0083%; no homozygotes.

Submission:

Labcorp Genetics (formerly Invitae), Labcorp
Classification: Uncertain significance for Dyskeratosis congenita, autosomal recessive 5; Pulmonary fibrosis and/or bone marrow failure, Telomere-related, 3. Last evaluated: 2025-05-10. Review status: criteria provided, single submitter. Criteria: Invitae Variant Classification Sherloc (09022015). Collection method: clinical testing. Allele origin: germline.
Comment: This sequence change falls in intron 30 of the RTEL1 gene. It does not directly change the encoded amino acid sequence of the RTEL1 protein. It affects a nucleotide within the consensus splice site. This variant is present in population databases (rs200941691, gnomAD 0.01%). This variant has not been reported in the literature in individuals affected with RTEL1-related conditions. ClinVar contains an entry for this variant (Variation ID: 2156148). Variants that disrupt the consensus splice site are a relatively common cause of aberrant splicing (PMID: 17576681, 9536098). Algorithms developed to predict the effect of sequence changes on RNA splicing suggest that this variant may create or strengthen a splice site. In summary, the available evidence is currently insufficient to determine the role of this variant in disease. Therefore, it has been classified as a Variant of Uncertain Significance.

Literature cited by the submitters: PubMed 17576681; PubMed 9536098.